The following is an entry in ClinVar:

ClinVar aggregate classification (germline): Uncertain significance (1 of 4 stars; one submission).

Conditions:
Nephronophthisis. Also called: Juvenile Nephronophthisis. Identifiers: Orphanet 655, MedGen C0687120, MONDO:0019005, HP:0000090.

gnomAD v4.1: 2 of 1,610,656 alleles (0.00012%); no homozygotes.

Submission:

Labcorp Genetics (formerly Invitae), Labcorp
Classification: Uncertain significance for Nephronophthisis. Last evaluated: 2022-08-17. Review status: criteria provided, single submitter. Criteria: Invitae Variant Classification Sherloc (09022015). Collection method: clinical testing. Allele origin: germline.
Comment: This variant has not been reported in the literature in individuals affected with NPHP3-related conditions. Algorithms developed to predict the effect of missense changes on protein structure and function output the following: SIFT: "Tolerated"; PolyPhen-2: "Benign"; Align-GVGD: "Class C0". The serine amino acid residue is found in multiple mammalian species, which suggests that this missense change does not adversely affect protein function. In summary, the available evidence is currently insufficient to determine the role of this variant in disease. Therefore, it has been classified as a Variant of Uncertain Significance. This sequence change replaces asparagine, which is neutral and polar, with serine, which is neutral and polar, at codon 550 of the NPHP3 protein (p.Asn550Ser). This variant is not present in population databases (gnomAD no frequency).

NM_153240.5(NPHP3):c.1649A>G (p.Asn550Ser)

Genes: NPHP3 (nephrocystin 3; minus strand), NPHP3-ACAD11 (NPHP3-ACAD11 readthrough (NMD candidate); minus strand). Cytogenetic location: 3q22.1.
Variant type: single nucleotide variant.
Coding change: c.1649A>G on transcript NM_153240.5 (MANE Select); coding-DNA position 1649, A replaced by G.
Protein change: p.Asn550Ser; replaces asparagine 550 with serine.
Molecular consequence: missense variant. On other transcripts: non-coding transcript variant (1).
Genome position (GRCh38, 1-based): chr3:132,700,428, T>C on the plus strand (A>G on the coding strand, the complement: NPHP3 is on the minus strand). VCF-style: chr3-132700428-T-C. GRCh37 (hg19) VCF-style: chr3-132419272-T-C.
Other names: short protein forms N550S.
Identifiers: ClinVar variation 1902497 (VCV001902497.5), dbSNP rs2530435114, ClinGen allele CA354583101.